The following is an entry in ClinVar:

NM_006939.4(SOS2):c.3817C>G (p.Arg1273Gly)

Gene: SOS2 (SOS Ras/Rho guanine nucleotide exchange factor 2; minus strand). Cytogenetic location: 14q21.3.
Variant type: single nucleotide variant.
Coding change: c.3817C>G on transcript NM_006939.4 (MANE Select); coding-DNA position 3817, C replaced by G.
Protein change: p.Arg1273Gly; replaces arginine 1273 with glycine.
Molecular consequence: missense variant.
Genome position (GRCh38, 1-based): chr14:50,118,526, G>C on the plus strand (C>G on the coding strand, the complement: SOS2 is on the minus strand). VCF-style: chr14-50118526-G-C. GRCh37 (hg19) VCF-style: chr14-50585244-G-C.
Other names: c.3718C>G, p.Arg1240Gly (NM_001411020.1); short protein forms R1240G, R1273G.
Identifiers: ClinVar variation 2624371 (VCV002624371.4), dbSNP rs2502755424, ClinGen allele CA389637594.

ClinVar aggregate classification (germline): Uncertain significance. Review status: criteria provided, multiple submitters, no conflicts (2 of 4 stars). 2 submissions from 2 submitters: Uncertain significance (2). Last evaluated 2026-01-21.

Conditions:
Cardiovascular phenotype. Identifiers: MedGen CN230736.
Noonan syndrome 9 (NS9). Identifiers: Orphanet 648, MedGen C4225282, MONDO:0014691, OMIM 616559.

Submissions (2):

Labcorp Genetics (formerly Invitae), Labcorp
Classification: Uncertain significance for Noonan syndrome 9. Last evaluated: 2026-01-21. Review status: criteria provided, single submitter. Criteria: Invitae Variant Classification Sherloc (09022015). Collection method: clinical testing. Allele origin: germline.
Comment: This sequence change replaces arginine, which is basic and polar, with glycine, which is neutral and non-polar, at codon 1273 of the SOS2 protein (p.Arg1273Gly). This variant is not present in population databases (gnomAD no frequency). This variant has not been reported in the literature in individuals affected with SOS2-related conditions. ClinVar contains an entry for this variant (Variation ID: 2624371). Invitae Evidence Modeling of protein sequence and biophysical properties (such as structural, functional, and spatial information, amino acid conservation, physicochemical variation, residue mobility, and thermodynamic stability) indicates that this missense variant is not expected to disrupt SOS2 protein function with a negative predictive value of 95%. In summary, the available evidence is currently insufficient to determine the role of this variant in disease. Therefore, it has been classified as a Variant of Uncertain Significance.

Ambry Genetics
Classification: Uncertain significance for Cardiovascular phenotype. Last evaluated: 2023-09-14. Review status: criteria provided, single submitter. Criteria: Ambry Variant Classification Scheme 2023. Collection method: clinical testing. Allele origin: germline.